The following is an entry in ClinVar:

ClinVar aggregate classification (germline): Pathogenic (1 of 4 stars; one submission).

Conditions:
Hereditary cancer-predisposing syndrome. Also called: Neoplastic Syndromes, Hereditary; Tumor predisposition; Hereditary Cancer Syndrome; Hereditary neoplastic syndrome. Identifiers: Orphanet 140162, MedGen C0027672, MeSH D009386, MONDO:0015356.

Submission:

Ambry Genetics
Classification: Pathogenic for Hereditary cancer-predisposing syndrome. Last evaluated: 2021-09-02. Review status: criteria provided, single submitter. Criteria: Ambry Variant Classification Scheme 2023. Collection method: clinical testing. Allele origin: germline.
Comment: The p.R425* pathogenic mutation (also known as c.1273A>T), located in coding exon 10 of the NBN gene, results from an A to T substitution at nucleotide position 1273. This changes the amino acid from an arginine to a stop codon within coding exon 10. This variant is considered to be rare based on population cohorts in the Genome Aggregation Database (gnomAD). This alteration is expected to result in loss of function by premature protein truncation or nonsense-mediated mRNA decay. As such, this alteration is interpreted as a disease-causing mutation.

NM_002485.5(NBN):c.1273A>T (p.Arg425Ter)

Gene: NBN (nibrin; minus strand). Cytogenetic location: 8q21.3.
Variant type: single nucleotide variant.
Coding change: c.1273A>T on transcript NM_002485.5 (MANE Select); coding-DNA position 1273, A replaced by T.
Protein change: p.Arg425Ter; replaces arginine 425 with a stop codon.
Molecular consequence: nonsense.
Genome position (GRCh38, 1-based): chr8:89,955,407, T>A on the plus strand (A>T on the coding strand, the complement: NBN is on the minus strand). VCF-style: chr8-89955407-T-A. GRCh37 (hg19) VCF-style: chr8-90967635-T-A.
Other names: c.1027A>T, p.Arg343Ter (NM_001024688.3); short protein forms R425*, R343*.
Identifiers: ClinVar variation 1765966 (VCV001765966.2), dbSNP rs1554559177, ClinGen allele CA371656220.